The following is an entry in ClinVar:

ClinVar aggregate classification (germline): Uncertain significance (1 of 4 stars; one submission).

Allele frequency attached by ClinVar (database versions not stated): TOPMed 0.00001.

Submission:

Ambry Genetics
Classification: Uncertain significance. Last evaluated: 2022-10-29. Review status: criteria provided, single submitter. Criteria: Ambry Variant Classification Scheme 2023. Collection method: clinical testing. Allele origin: germline.
Comment: The p.M507R variant (also known as c.1520T>G), located in coding exon 1 of the MLH3 gene, results from a T to G substitution at nucleotide position 1520. The methionine at codon 507 is replaced by arginine, an amino acid with similar properties. This amino acid position is conserved. In addition, this alteration is predicted to be tolerated by in silico analysis. Since supporting evidence is limited at this time, the clinical significance of this alteration remains unclear.

NM_001040108.2(MLH3):c.1520T>G (p.Met507Arg)

Gene: MLH3 (mutL homolog 3; minus strand). Cytogenetic location: 14q24.3.
Variant type: single nucleotide variant.
Coding change: c.1520T>G on transcript NM_001040108.2 (MANE Select); coding-DNA position 1520, T replaced by G.
Protein change: p.Met507Arg; replaces methionine 507 with arginine.
Molecular consequence: missense variant.
Genome position (GRCh38, 1-based): chr14:75,048,136, A>C on the plus strand (T>G on the coding strand, the complement: MLH3 is on the minus strand). VCF-style: chr14-75048136-A-C. GRCh37 (hg19) VCF-style: chr14-75514839-A-C.
Other names: c.1520T>G, p.Met507Arg (NM_014381.3); short protein forms M507R.
Identifiers: ClinVar variation 1774422 (VCV001774422.2), dbSNP rs1892392383, ClinGen allele CA390445241.
Genomic context (GRCh38, chr14:75,048,136, plus strand): 5'-ATTTCTAGATCCTGCCCACTCTCCTCAAAGTGACATGGTGTCTGAAAAGGGCTTAAAAAC[A>C]TTTCTAAACTGGTTCCACACGGATTTTCTAAAGAGCTATGTTCCAGGAAAGATTTTTTAT-3'
Protein context (NP_001035197.1, residues 497-517): LENPCGTSLE[Met507Arg]FLSPFQTPCH